The following is an entry in ClinVar:

ClinVar aggregate classification (germline): Uncertain significance (1 of 4 stars; one submission).

Conditions:
Hereditary cancer-predisposing syndrome. Also called: Neoplastic Syndromes, Hereditary; Tumor predisposition; Hereditary Cancer Syndrome; Hereditary neoplastic syndrome. Identifiers: Orphanet 140162, MedGen C0027672, MeSH D009386, MONDO:0015356.

Submission:

Ambry Genetics
Classification: Uncertain significance for Hereditary cancer-predisposing syndrome. Last evaluated: 2022-04-22. Review status: criteria provided, single submitter. Criteria: Ambry Variant Classification Scheme 2023. Collection method: clinical testing. Allele origin: germline.
Comment: The p.P1095A variant (also known as c.3283C>G), located in coding exon 21 of the RAD50 gene, results from a C to G substitution at nucleotide position 3283. The proline at codon 1095 is replaced by alanine, an amino acid with highly similar properties. This amino acid position is conserved. In addition, this alteration is predicted to be tolerated by in silico analysis. Since supporting evidence is limited at this time, the clinical significance of this alteration remains unclear.

NM_005732.4(RAD50):c.3283C>G (p.Pro1095Ala)

Gene: RAD50 (RAD50 double strand break repair protein; plus strand). Cytogenetic location: 5q31.1.
Variant type: single nucleotide variant.
Coding change: c.3283C>G on transcript NM_005732.4 (MANE Select); coding-DNA position 3283, C replaced by G.
Protein change: p.Pro1095Ala; replaces proline 1095 with alanine.
Molecular consequence: missense variant.
Genome position (GRCh38, 1-based): chr5:132,618,188, C>G. VCF-style: chr5-132618188-C-G. GRCh37 (hg19) VCF-style: chr5-131953880-C-G.
Other names: short protein forms P1095A.
Identifiers: ClinVar variation 1729767 (VCV001729767.2), dbSNP rs2479388599, ClinGen allele CA360964687.